The following is an entry in ClinVar:

NM_000051.4(ATM):c.4389T>C (p.Phe1463=)

Gene: ATM (ATM serine/threonine kinase; plus strand). Cytogenetic location: 11q22.3.
Variant type: single nucleotide variant.
Coding change: c.4389T>C on transcript NM_000051.4 (MANE Select); coding-DNA position 4389, T replaced by C.
Protein change: p.Phe1463=; no amino-acid change (phenylalanine 1463 retained).
Molecular consequence: synonymous variant.
Genome position (GRCh38, 1-based): chr11:108,289,754, T>C. VCF-style: chr11-108289754-T-C. GRCh37 (hg19) VCF-style: chr11-108160481-T-C.
Other names: c.4389T>C, p.Phe1463= (NM_001351834.2).
Identifiers: ClinVar variation 482744 (VCV000482744.13), dbSNP rs1555097753, ClinGen allele CA476674011.
Genomic context (GRCh38, chr11:108,289,754, plus strand): 5'-CCTGTTTGTTAGTTTATTACTGAAAGATATAAAAAGTGGCTTAGGAGGAGCTTGGGCCTT[T>C]GTTCTTCGAGACGTTATTTATACTTTGATTCACTATATCAACCAAAGGTAAATAACATAT-3'
Protein context (NP_000042.3, residues 1453-1473): IKSGLGGAWA[Phe1463=]VLRDVIYTLI

ClinVar aggregate classification (germline): Benign/Likely benign. Review status: criteria provided, multiple submitters, no conflicts (2 of 4 stars). 3 submissions from 3 submitters: Benign (1); Likely benign (2). Last evaluated 2025-04-10.

Conditions:
Hereditary cancer-predisposing syndrome. Also called: Hereditary neoplastic syndrome; Neoplastic Syndromes, Hereditary; Tumor predisposition; Hereditary Cancer Syndrome. Identifiers: Orphanet 140162, MedGen C0027672, MeSH D009386, MONDO:0015356.
Familial cancer of breast. Also called: BREAST CANCER, FAMILIAL; Hereditary breast cancer; hereditary breast carcinoma. Identifiers: Orphanet 227535, MedGen C0346153, MONDO:0016419, OMIM 114480. Disease mechanism: loss of function.
Ataxia-telangiectasia syndrome (AT). Also called: LOUIS-BAR SYNDROME; Cerebello-oculocutaneous telangiectasia; Immunodeficiency with ataxia telangiectasia; AT, COMPLEMENTATION GROUP C; Ataxia-telangiectasia, complementation group D; ATAXIA-TELANGIECTASIA, COMPLEMENTATION GROUP A. Identifiers: Orphanet 100, MedGen C0004135, MONDO:0008840, OMIM 208900.

Submissions (3):

Labcorp Genetics (formerly Invitae), Labcorp
Classification: Likely benign for Ataxia-telangiectasia syndrome. Last evaluated: 2025-04-10. Review status: criteria provided, single submitter. Criteria: Invitae Variant Classification Sherloc (09022015). Collection method: clinical testing. Allele origin: germline.

Myriad Genetics, Inc.
Classification: Benign for Familial cancer of breast. Last evaluated: 2024-05-17. Review status: criteria provided, single submitter. Criteria: Myriad Autosomal Dominant, Autosomal Recessive and X-Linked Classification Criteria (2023). Collection method: clinical testing. Allele origin: unknown.
Comment: This variant is considered benign. This variant is a silent/synonymous amino acid change and it is not expected to impact splicing.

Ambry Genetics
Classification: Likely benign for Hereditary cancer-predisposing syndrome. Last evaluated: 2017-07-25. Review status: criteria provided, single submitter. Criteria: Ambry Variant Classification Scheme 2023. Collection method: clinical testing. Allele origin: germline.